The following is an entry in ClinVar:

NM_007254.4(PNKP):c.58C>A (p.Pro20Thr)

Gene: PNKP (polynucleotide kinase 3'-phosphatase; minus strand). Cytogenetic location: 19q13.33.
Variant type: single nucleotide variant.
Coding change: c.58C>A on transcript NM_007254.4 (MANE Select); coding-DNA position 58, C replaced by A.
Protein change: p.Pro20Thr; replaces proline 20 with threonine.
Molecular consequence: missense variant.
Genome position (GRCh38, 1-based): chr19:49,867,147, G>T on the plus strand (C>A on the coding strand, the complement: PNKP is on the minus strand). VCF-style: chr19-49867147-G-T. GRCh37 (hg19) VCF-style: chr19-50370404-G-T.
Other names: short protein forms P20T.
Identifiers: ClinVar variation 471506 (VCV000471506.15), dbSNP rs3739168, ClinGen allele CA9587091.

ClinVar aggregate classification (germline): Uncertain significance. Review status: criteria provided, multiple submitters, no conflicts (2 of 4 stars). 3 submissions from 3 submitters: Uncertain significance (3). Last evaluated 2025-12-31.

Conditions:
Ataxia - oculomotor apraxia type 4. Identifiers: Orphanet 459033, MedGen C4225397, MONDO:0014557, OMIM 616267.
Charcot-Marie-Tooth disease type 2B2 (CMT2B2). Also called: Charcot-Marie-Tooth Neuropathy Type 2B2; CHARCOT-MARIE-TOOTH DISEASE, AXONAL, TYPE 2B2; CHARCOT-MARIE-TOOTH DISEASE, NEURONAL, TYPE 2B2; CHARCOT-MARIE-TOOTH DISEASE, AXONAL, AUTOSOMAL RECESSIVE, TYPE 2B2. Identifiers: Orphanet 101101, MedGen C1854150, MONDO:0011570, OMIM 605589.
Microcephaly, seizures, and developmental delay. Identifiers: Orphanet 1934, MedGen C3150667, MONDO:0013254, OMIM 613402.
Developmental and epileptic encephalopathy, 12 (DEE12). Identifiers: MedGen C3150988, MONDO:0013389, OMIM 613722.

Allele frequency attached by ClinVar (database versions not stated): TOPMed 0.00001.
gnomAD v4.1: 5 of 1,612,316 alleles (0.00031%); highest among the groups gnomAD compares: Admixed American, 0.0083%; no homozygotes.

Submissions (3):

GeneDx
Classification: Uncertain significance. Last evaluated: 2025-12-31. Review status: criteria provided, single submitter. Criteria: GeneDx Variant Classification Process June 2021. Collection method: clinical testing. Allele origin: germline. Affected: yes.
Comment: Not observed at significant frequency in large population cohorts (gnomAD); In silico analysis suggests that this missense variant does not alter protein structure/function; Has not been previously published as pathogenic or benign to our knowledge; This variant is associated with the following publications: (PMID: 22508754)

Labcorp Genetics (formerly Invitae), Labcorp
Classification: Uncertain significance for Developmental and epileptic encephalopathy, 12. Last evaluated: 2022-11-29. Review status: criteria provided, single submitter. Criteria: Invitae Variant Classification Sherloc (09022015). Collection method: clinical testing. Allele origin: germline.
Comment: In summary, the available evidence is currently insufficient to determine the role of this variant in disease. Therefore, it has been classified as a Variant of Uncertain Significance. Algorithms developed to predict the effect of missense changes on protein structure and function (SIFT, PolyPhen-2, Align-GVGD) all suggest that this variant is likely to be tolerated. ClinVar contains an entry for this variant (Variation ID: 471506). This variant has not been reported in the literature in individuals affected with PNKP-related conditions. This variant is present in population databases (rs3739168, gnomAD 0.01%). This sequence change replaces proline, which is neutral and non-polar, with threonine, which is neutral and polar, at codon 20 of the PNKP protein (p.Pro20Thr).

Fulgent Genetics
Classification: Uncertain significance for Charcot-Marie-Tooth disease type 2B2; Microcephaly, seizures, and developmental delay; Ataxia - oculomotor apraxia type 4. Last evaluated: 2022-04-01. Review status: criteria provided, single submitter. Criteria: ACMG Guidelines, 2015. Collection method: clinical testing. Allele origin: unknown.